The following is an entry in ClinVar:

NM_001349253.2(SCN11A):c.2222C>G (p.Pro741Arg)

Gene: SCN11A (sodium voltage-gated channel alpha subunit 11; minus strand). Cytogenetic location: 3p22.2.
Variant type: single nucleotide variant.
Coding change: c.2222C>G on transcript NM_001349253.2 (MANE Select); coding-DNA position 2222, C replaced by G.
Protein change: p.Pro741Arg; replaces proline 741 with arginine.
Molecular consequence: missense variant.
Genome position (GRCh38, 1-based): chr3:38,897,026, G>C on the plus strand (C>G on the coding strand, the complement: SCN11A is on the minus strand). VCF-style: chr3-38897026-G-C. GRCh37 (hg19) VCF-style: chr3-38938517-G-C.
Other names: c.2222C>G, p.Pro741Arg (NM_014139.3); short protein forms P741R.
Identifiers: ClinVar variation 1049596 (VCV001049596.1), dbSNP rs369499148, ClinGen allele CA352158331.
Genomic context (GRCh38, chr3:38,897,026, plus strand): 5'-ACCACTAGGAAGGAGTGCCAGAAATCCCCCATGTGCCAGTGCCGTAAACATGAGACTGTC[G>C]GGCCTGTCGGGTTACAGAGTTTTGGACTCTTTTGGGAATTGAAGCTACGGCCAAAAAGCT-3'
Protein context (NP_001336182.1, residues 731-751): KSPKLCNPTG[Pro741Arg]TVSCLRHWHM

ClinVar aggregate classification (germline): Uncertain significance (0 of 4 stars; one submission).

gnomAD v4.1: 4 of 1,614,070 alleles (0.00025%); highest among the groups gnomAD compares: Non-Finnish European, 0.00034%; no homozygotes.

Submission:

Department of Pathology and Laboratory Medicine, Sinai Health System
Classification: Uncertain significance. Review status: no assertion criteria provided. Collection method: clinical testing. Allele origin: unknown. Affected: yes. Study: The Canadian Open Genetics Repository (COGR).
Comment: The SCN11A p.Pro741Arg variant was not identified in the literature nor was it identified in dbSNP, ClinVar, Cosmic, LOVD 3.0 or in the following control databases: the 1000 Genomes Project, the NHLBI GO Exome Sequencing Project, the Exome Aggregation Consortium (August 8th 2016), or the Genome Aggregation Database (March 6, 2019, v2.1.1). The p.Pro741 residue is not conserved in mammals and four out of five computational analyses (PolyPhen-2, SIFT, AlignGVGD, BLOSUM, MutationTaster) do not suggest a high likelihood of impact to the protein; however, this information is not predictive enough to rule out pathogenicity. The variant occurs outside of the splicing consensus sequence and three of four in silico or computational prediction software programs (SpliceSiteFinder, MaxEntScan, NNSPLICE, GeneSplicer) do not predict a greater than 10% difference in splicing; this is not very predictive of pathogenicity. In summary, based on the above information the clinical significance of this variant cannot be determined with certainty at this time. This variant is classified as a variant of uncertain significance.